The following is an entry in ClinVar:

ClinVar aggregate classification (germline): Uncertain significance (1 of 4 stars; one submission).

Conditions:
Myofibrillar myopathy 4. Also called: Zaspopathy (type). Identifiers: Orphanet 98912, MedGen C4721886, MONDO:0012277, OMIM 609452.

Submission:

Labcorp Genetics (formerly Invitae), Labcorp
Classification: Uncertain significance for Myofibrillar myopathy 4. Last evaluated: 2022-07-23. Review status: criteria provided, single submitter. Criteria: Invitae Variant Classification Sherloc (09022015). Collection method: clinical testing. Allele origin: germline.
Comment: In summary, the available evidence is currently insufficient to determine the role of this variant in disease. Therefore, it has been classified as a Variant of Uncertain Significance. Algorithms developed to predict the effect of missense changes on protein structure and function are either unavailable or do not agree on the potential impact of this missense change (SIFT: "Deleterious"; PolyPhen-2: "Benign"; Align-GVGD: "Class C0"). This variant has not been reported in the literature in individuals affected with LDB3-related conditions. This sequence change replaces aspartic acid, which is acidic and polar, with asparagine, which is neutral and polar, at codon 164 of the LDB3 protein (p.Asp164Asn). This variant is not present in population databases (gnomAD no frequency).

NM_001368067.1(LDB3):c.490G>A (p.Asp164Asn)

Genes: LDB3 (LIM domain binding 3; plus strand), LOC110121486 (VISTA enhancer hs2143; plus strand). Cytogenetic location: 10q23.2.
Variant type: single nucleotide variant.
Coding change: c.490G>A on transcript NM_001368067.1 (MANE Plus Clinical); coding-DNA position 490, G replaced by A.
Protein change: p.Asp164Asn; replaces aspartic acid 164 with asparagine.
Molecular consequence: missense variant. On other transcripts: intron variant (5).
Genome position (GRCh38, 1-based): chr10:86,687,214, G>A. VCF-style: chr10-86687214-G-A. GRCh37 (hg19) VCF-style: chr10-88446971-G-A.
Other names: c.490G>A, p.Asp164Asn (NM_001080114.2, NM_001080116.1, NM_001368066.1 and 1 more transcripts); c.835G>A, p.Asp279Asn (NM_001171610.2, NM_001171611.2); c.690-4682G>A (NM_001368064.1, NM_001368063.1, NM_007078.3 and 2 more transcripts); short protein forms D164N, D279N.
Identifiers: ClinVar variation 1952379 (VCV001952379.5), dbSNP rs1000020884, ClinGen allele CA377441831.